The following is an entry in ClinVar:

ClinVar aggregate classification (germline): Uncertain significance. Review status: criteria provided, multiple submitters, no conflicts (2 of 4 stars). 2 submissions from 2 submitters: Uncertain significance (2). Last evaluated 2024-10-16.

Conditions:
Inborn genetic diseases. Identifiers: MedGen C0950123, MeSH D030342.
Glomuvenous malformation. Also called: GLOMANGIOMAS, MULTIPLE; GLOMUS TUMORS, MULTIPLE; VENOUS MALFORMATIONS WITH GLOMUS CELLS; Familial glomangioma. Identifiers: Orphanet 83454, MedGen C1841984, MONDO:0007672, OMIM 138000.

Allele frequency attached by ClinVar (database versions not stated): gnomAD exomes below 0.00001; gnomAD 0.00001; ExAC 0.00002; TOPMed 0.00002; ESP Exome Variant Server 0.00008.
gnomAD v4.1: 5 of 1,576,512 alleles (0.00032%); highest among the groups gnomAD compares: African/African-American, 0.0054%; no homozygotes.

Submissions (2):

Ambry Genetics
Classification: Uncertain significance for Inborn genetic diseases. Last evaluated: 2024-10-16. Review status: criteria provided, single submitter. Criteria: Ambry Variant Classification Scheme 2023. Collection method: clinical testing. Allele origin: germline.

Clinical Genomics Laboratory, Washington University in St. Louis
Classification: Uncertain significance for Glomuvenous malformation. Last evaluated: 2024-02-27. Review status: criteria provided, single submitter. Criteria: ACMG Guidelines, 2015. Collection method: clinical testing. Allele origin: germline.
Comment: The GLMN c.1232G>C (p.Ser411Thr) variant was identified at a near heterozygous allele fraction of 43%, a frequency which may be consistent with it being of germline origin. This variant, to our knowledge, has not been reported in the medical literature. This variant is only observed on 5/1,576,512 alleles in the general population (gnomAD v4.0.0), indicating it is not a common variant. Computational predictors suggest that the variant does not impact GLMN function. Due to limited information, and based on ACMG/AMP guidelines for variant interpretation (Richards S et al., PMID: 25741868), the clinical significance of the GLMN c.1232G>C (p.Ser411Thr) variant is uncertain at this time.

NM_053274.3(GLMN):c.1232G>C (p.Ser411Thr)

Gene: GLMN (glomulin, FKBP associated protein; minus strand). Cytogenetic location: 1p22.1.
Variant type: single nucleotide variant.
Coding change: c.1232G>C on transcript NM_053274.3 (MANE Select); coding-DNA position 1232, G replaced by C.
Protein change: p.Ser411Thr; replaces serine 411 with threonine.
Molecular consequence: missense variant.
Genome position (GRCh38, 1-based): chr1:92,264,621, C>G on the plus strand (G>C on the coding strand, the complement: GLMN is on the minus strand). VCF-style: chr1-92264621-C-G. GRCh37 (hg19) VCF-style: chr1-92730178-C-G.
Other names: c.1190G>C, p.Ser397Thr (NM_001319683.2); c.1232G>C (NM_053274.2); short protein forms S397T, S411T.
Identifiers: ClinVar variation 3237419 (VCV003237419.2), dbSNP rs367711850.